The following is an entry in ClinVar:

NM_000170.3(GLDC):c.2743G>T (p.Glu915Ter)

Gene: GLDC (glycine decarboxylase; minus strand). Cytogenetic location: 9p24.1.
Variant type: single nucleotide variant.
Coding change: c.2743G>T on transcript NM_000170.3 (MANE Select); coding-DNA position 2743, G replaced by T.
Protein change: p.Glu915Ter; replaces glutamic acid 915 with a stop codon.
Molecular consequence: nonsense.
Genome position (GRCh38, 1-based): chr9:6,536,159, C>A on the plus strand (G>T on the coding strand, the complement: GLDC is on the minus strand). VCF-style: chr9-6536159-C-A. GRCh37 (hg19) VCF-style: chr9-6536159-C-A.
Other names: short protein forms E915*.
Identifiers: ClinVar variation 1724593 (VCV001724593.2), dbSNP rs2489011454, ClinGen allele CA372882715.

ClinVar aggregate classification (germline): Likely pathogenic (1 of 4 stars; one submission).

Conditions:
Glycine encephalopathy. Also called: Non-ketotic hyperglycinemia; Nonketotic hyperglycinemia. Identifiers: Orphanet 407, MedGen C0751748, MONDO:0011612, HP:0008288.

Submission:

Myriad Genetics, Inc.
Classification: Likely pathogenic for Glycine encephalopathy 1. Last evaluated: 2021-11-15. Review status: criteria provided, single submitter. Criteria: Myriad Women's Health Autosomal Recessive and X-Linked Classification Criteria (2021). Collection method: clinical testing. Allele origin: unknown.
Comment: NM_000170.2(GLDC):c.2743G>T(E915*) is expected to be pathogenic in the context of glycine encephalopathy, GLDC-related. This variant is predicted to lead to an abnormal or absent protein product due to the creation of a premature termination codon in GLDC, a gene where loss-of-function variants are known to be pathogenic. Please note: this variant was assessed in the context of healthy population screening.